The following is an entry in ClinVar:

ClinVar aggregate classification (germline): Uncertain significance (1 of 4 stars; one submission).

gnomAD v4.1: 1 of 1,613,668 alleles (0.000062%); highest among the groups gnomAD compares: East Asian, 0.0022%; no homozygotes.

Submission:

Labcorp Genetics (formerly Invitae), Labcorp
Classification: Uncertain significance. Last evaluated: 2025-01-02. Review status: criteria provided, single submitter. Criteria: Invitae Variant Classification Sherloc (09022015). Collection method: clinical testing. Allele origin: germline.
Comment: This sequence change replaces tyrosine, which is neutral and polar, with asparagine, which is neutral and polar, at codon 691 of the PLG protein (p.Tyr691Asn). This variant is present in population databases (no rsID available, gnomAD 0.006%). This variant has not been reported in the literature in individuals affected with PLG-related conditions. Invitae Evidence Modeling of protein sequence and biophysical properties (such as structural, functional, and spatial information, amino acid conservation, physicochemical variation, residue mobility, and thermodynamic stability) indicates that this missense variant is not expected to disrupt PLG protein function with a negative predictive value of 80%. In summary, the available evidence is currently insufficient to determine the role of this variant in disease. Therefore, it has been classified as a Variant of Uncertain Significance.

NM_000301.5(PLG):c.2071T>A (p.Tyr691Asn)

Gene: PLG (plasminogen; plus strand). Cytogenetic location: 6q26.
Variant type: single nucleotide variant.
Coding change: c.2071T>A on transcript NM_000301.5 (MANE Select); coding-DNA position 2071, T replaced by A.
Protein change: p.Tyr691Asn; replaces tyrosine 691 with asparagine.
Molecular consequence: missense variant.
Genome position (GRCh38, 1-based): chr6:160,741,363, T>A. VCF-style: chr6-160741363-T-A. GRCh37 (hg19) VCF-style: chr6-161162395-T-A.
Other names: short protein forms Y691N.
Identifiers: ClinVar variation 3665164 (VCV003665164.2).